The following is an entry in ClinVar:

NM_000540.3(RYR1):c.9014T>C (p.Leu3005Ser)

Gene: RYR1 (ryanodine receptor 1; plus strand). Cytogenetic location: 19q13.2.
Variant type: single nucleotide variant.
Coding change: c.9014T>C on transcript NM_000540.3 (MANE Select); coding-DNA position 9014, T replaced by C.
Protein change: p.Leu3005Ser; replaces leucine 3005 with serine.
Molecular consequence: missense variant.
Genome position (GRCh38, 1-based): chr19:38,510,673, T>C. VCF-style: chr19-38510673-T-C. GRCh37 (hg19) VCF-style: chr19-39001313-T-C.
Other names: c.9014T>C, p.Leu3005Ser (NM_001042723.2); short protein forms L3005S.
Identifiers: ClinVar variation 2725708 (VCV002725708.4), dbSNP rs367612143, ClinGen allele CA073085.

ClinVar aggregate classification (germline): Uncertain significance. Review status: criteria provided, multiple submitters, no conflicts (2 of 4 stars). 2 submissions from 2 submitters: Uncertain significance (2). Last evaluated 2024-01-30.

Conditions:
Malignant hyperthermia, susceptibility to, 1 (MHS1). Also called: Anesthesia related hyperthermia; Malignant hyperpyrexia; Fulminating hyperpyrexia; Pharmacogenic myopathy; RYR1-Related Malignant Hyperthermia Susceptibility; Malignant hyperthermia suceptibility 1. Identifiers: Orphanet 423, MedGen C2930980, MONDO:0007783, OMIM 145600.
RYR1-related disorder. Also called: RYR1-related disorders; RYR1-related condition. Identifiers: MedGen CN239331.

Allele frequency attached by ClinVar (database versions not stated): gnomAD exomes below 0.00001; TOPMed below 0.00001; ExAC 0.00001; gnomAD 0.00001; ESP Exome Variant Server 0.00008.
gnomAD v4.1: 4 of 1,614,080 alleles (0.00025%); highest among the groups gnomAD compares: African/African-American, 0.004%; no homozygotes.

Submissions (2):

Color Diagnostics, LLC DBA Color Health
Classification: Uncertain significance for Malignant hyperthermia, susceptibility to, 1. Last evaluated: 2024-01-30. Review status: criteria provided, single submitter. Criteria: ACMG Guidelines, 2015. Collection method: clinical testing. Allele origin: germline.
Comment: This missense variant replaces leucine with serine at codon 3005 of the RYR1 protein. Computational prediction is inconclusive regarding the impact of this variant on protein structure and function. To our knowledge, functional studies have not been reported for this variant. This variant has not been reported in individuals affected with RYR1-related disorders in the literature. This variant has been identified in 3/282870 chromosomes in the general population by the Genome Aggregation Database (gnomAD). The available evidence is insufficient to determine the role of this variant in disease conclusively. Therefore, this variant is classified as a Variant of Uncertain Significance.

Labcorp Genetics (formerly Invitae), Labcorp
Classification: Uncertain significance for RYR1-related disorder. Last evaluated: 2023-08-02. Review status: criteria provided, single submitter. Criteria: Invitae Variant Classification Sherloc (09022015). Collection method: clinical testing. Allele origin: germline.
Comment: In summary, the available evidence is currently insufficient to determine the role of this variant in disease. Therefore, it has been classified as a Variant of Uncertain Significance. Advanced modeling of protein sequence and biophysical properties (such as structural, functional, and spatial information, amino acid conservation, physicochemical variation, residue mobility, and thermodynamic stability) has been performed at Invitae for this missense variant, however the output from this modeling did not meet the statistical confidence thresholds required to predict the impact of this variant on RYR1 protein function. This variant has not been reported in the literature in individuals affected with RYR1-related conditions. This variant is present in population databases (rs367612143, gnomAD 0.01%). This sequence change replaces leucine, which is neutral and non-polar, with serine, which is neutral and polar, at codon 3005 of the RYR1 protein (p.Leu3005Ser).